The following is an entry in ClinVar:

NM_004064.5(CDKN1B):c.80C>T (p.Ser27Leu)

Gene: CDKN1B (cyclin dependent kinase inhibitor 1B; plus strand). Cytogenetic location: 12p13.1.
Variant type: single nucleotide variant.
Coding change: c.80C>T on transcript NM_004064.5 (MANE Select); coding-DNA position 80, C replaced by T.
Protein change: p.Ser27Leu; replaces serine 27 with leucine.
Molecular consequence: missense variant.
Genome position (GRCh38, 1-based): chr12:12,717,919, C>T. VCF-style: chr12-12717919-C-T. GRCh37 (hg19) VCF-style: chr12-12870853-C-T.
Other names: short protein forms S27L.
Identifiers: ClinVar variation 404282 (VCV000404282.13), dbSNP rs1060500190, ClinGen allele CA16613529.

ClinVar aggregate classification (germline): Uncertain significance. Review status: criteria provided, multiple submitters, no conflicts (2 of 4 stars). 2 submissions from 2 submitters: Uncertain significance (2). Last evaluated 2025-07-22.

Conditions:
Hereditary cancer-predisposing syndrome. Also called: Tumor predisposition; Neoplastic Syndromes, Hereditary; Hereditary Cancer Syndrome; Hereditary neoplastic syndrome. Identifiers: Orphanet 140162, MedGen C0027672, MeSH D009386, MONDO:0015356.
Multiple endocrine neoplasia type 4. Also called: MULTIPLE ENDOCRINE NEOPLASIA, TYPE IV. Identifiers: Orphanet 276152, MedGen C1970712, MONDO:0012552, OMIM 610755.

Allele frequency attached by ClinVar (database versions not stated): gnomAD exomes below 0.00001.

Submissions (2):

Labcorp Genetics (formerly Invitae), Labcorp
Classification: Uncertain significance for Multiple endocrine neoplasia type 4. Last evaluated: 2025-07-22. Review status: criteria provided, single submitter. Criteria: Invitae Variant Classification Sherloc (09022015). Collection method: clinical testing. Allele origin: germline.
Comment: This sequence change replaces serine, which is neutral and polar, with leucine, which is neutral and non-polar, at codon 27 of the CDKN1B protein (p.Ser27Leu). This variant is present in population databases (no rsID available, gnomAD 0.006%). This variant has not been reported in the literature in individuals affected with CDKN1B-related conditions. ClinVar contains an entry for this variant (Variation ID: 404282). An algorithm developed to predict the effect of missense changes on protein structure and function (PolyPhen-2) suggests that this variant is likely to be disruptive. In summary, the available evidence is currently insufficient to determine the role of this variant in disease. Therefore, it has been classified as a Variant of Uncertain Significance.

Ambry Genetics
Classification: Uncertain significance for Hereditary cancer-predisposing syndrome. Last evaluated: 2025-01-05. Review status: criteria provided, single submitter. Criteria: Ambry Variant Classification Scheme 2023. Collection method: clinical testing. Allele origin: germline.
Comment: The p.S27L variant (also known as c.80C>T), located in coding exon 1 of the CDKN1B gene, results from a C to T substitution at nucleotide position 80. The serine at codon 27 is replaced by leucine, an amino acid with dissimilar properties. This amino acid position is highly conserved in available vertebrate species. In addition, the in silico prediction for this alteration is inconclusive. Since supporting evidence is limited at this time, the clinical significance of this alteration remains unclear.